The following is an entry in ClinVar:

NM_020745.4(AARS2):c.2369G>A (p.Arg790Gln)

Gene: AARS2 (alanyl-tRNA synthetase 2, mitochondrial; minus strand). Cytogenetic location: 6p21.1.
Variant type: single nucleotide variant.
Coding change: c.2369G>A on transcript NM_020745.4 (MANE Select); coding-DNA position 2369, G replaced by A.
Protein change: p.Arg790Gln; replaces arginine 790 with glutamine.
Molecular consequence: missense variant.
Genome position (GRCh38, 1-based): chr6:44,302,509, C>T on the plus strand (G>A on the coding strand, the complement: AARS2 is on the minus strand). VCF-style: chr6-44302509-C-T. GRCh37 (hg19) VCF-style: chr6-44270246-C-T.
Other names: short protein forms R790Q.
Identifiers: ClinVar variation 1464927 (VCV001464927.6), dbSNP rs1327430475, ClinGen allele CA364337045.

ClinVar aggregate classification (germline): Uncertain significance (1 of 4 stars; one submission).

Allele frequency attached by ClinVar (database versions not stated): gnomAD 0.00001; gnomAD exomes 0.00001 and 0.00003; TOPMed 0.00002.

Submission:

Labcorp Genetics (formerly Invitae), Labcorp
Classification: Uncertain significance. Last evaluated: 2021-12-03. Review status: criteria provided, single submitter. Criteria: Invitae Variant Classification Sherloc (09022015). Collection method: clinical testing. Allele origin: germline.
Comment: This sequence change replaces arginine, which is basic and polar, with glutamine, which is neutral and polar, at codon 790 of the AARS2 protein (p.Arg790Gln). This variant is present in population databases (no rsID available, gnomAD 0.003%). This variant has not been reported in the literature in individuals affected with AARS2-related conditions. Advanced modeling of protein sequence and biophysical properties (such as structural, functional, and spatial information, amino acid conservation, physicochemical variation, residue mobility, and thermodynamic stability) performed at Invitae indicates that this missense variant is not expected to disrupt AARS2 protein function. In summary, the available evidence is currently insufficient to determine the role of this variant in disease. Therefore, it has been classified as a Variant of Uncertain Significance.